The following is an entry in ClinVar:

NM_015378.4(VPS13D):c.1061A>T (p.Asp354Val)

Gene: VPS13D (vacuolar protein sorting 13 homolog D; plus strand). Cytogenetic location: 1p36.22.
Variant type: single nucleotide variant.
Coding change: c.1061A>T on transcript NM_015378.4 (MANE Select); coding-DNA position 1061, A replaced by T.
Protein change: p.Asp354Val; replaces aspartic acid 354 with valine.
Molecular consequence: missense variant.
Genome position (GRCh38, 1-based): chr1:12,258,054, A>T. VCF-style: chr1-12258054-A-T. GRCh37 (hg19) VCF-style: chr1-12318111-A-T.
Other names: c.1061A>T, p.Asp354Val (NM_018156.4); short protein forms D354V.
Identifiers: ClinVar variation 1956220 (VCV001956220.5), dbSNP rs1306345614, ClinGen allele CA338461038.

ClinVar aggregate classification (germline): Uncertain significance (1 of 4 stars; one submission).

Submission:

Labcorp Genetics (formerly Invitae), Labcorp
Classification: Uncertain significance. Last evaluated: 2022-05-11. Review status: criteria provided, single submitter. Criteria: Invitae Variant Classification Sherloc (09022015). Collection method: clinical testing. Allele origin: germline.
Comment: In summary, the available evidence is currently insufficient to determine the role of this variant in disease. Therefore, it has been classified as a Variant of Uncertain Significance. Algorithms developed to predict the effect of missense changes on protein structure and function are either unavailable or do not agree on the potential impact of this missense change (SIFT: "Not Available"; PolyPhen-2: "Benign"; Align-GVGD: "Not Available"). This variant has not been reported in the literature in individuals affected with VPS13D-related conditions. This variant is not present in population databases (gnomAD no frequency). This sequence change replaces aspartic acid, which is acidic and polar, with valine, which is neutral and non-polar, at codon 354 of the VPS13D protein (p.Asp354Val).